The following is an entry in ClinVar:

NM_000553.6(WRN):c.1532A>G (p.Asp511Gly)

Gene: WRN (WRN RecQ like helicase; plus strand). Cytogenetic location: 8p12.
Variant type: single nucleotide variant.
Coding change: c.1532A>G on transcript NM_000553.6 (MANE Select); coding-DNA position 1532, A replaced by G.
Protein change: p.Asp511Gly; replaces aspartic acid 511 with glycine.
Molecular consequence: missense variant.
Genome position (GRCh38, 1-based): chr8:31,087,876, A>G. VCF-style: chr8-31087876-A-G. GRCh37 (hg19) VCF-style: chr8-30945392-A-G.
Other names: short protein forms D511G.
Identifiers: ClinVar variation 2049569 (VCV002049569.4), dbSNP rs761259830, ClinGen allele CA4704397.

ClinVar aggregate classification (germline): Uncertain significance (1 of 4 stars; one submission).

Conditions:
Werner syndrome (WRN). Identifiers: Orphanet 902, MedGen C0043119, MONDO:0010196, OMIM 277700.

Allele frequency attached by ClinVar (database versions not stated): gnomAD exomes below 0.00001; TOPMed below 0.00001; ExAC 0.00001.
gnomAD v4.1: 1 of 1,613,720 alleles (0.000062%); highest among the groups gnomAD compares: East Asian, 0.0022%; no homozygotes.

Submission:

Labcorp Genetics (formerly Invitae), Labcorp
Classification: Uncertain significance for Werner syndrome. Last evaluated: 2023-06-04. Review status: criteria provided, single submitter. Criteria: Invitae Variant Classification Sherloc (09022015). Collection method: clinical testing. Allele origin: germline.
Comment: In summary, the available evidence is currently insufficient to determine the role of this variant in disease. Therefore, it has been classified as a Variant of Uncertain Significance. Algorithms developed to predict the effect of missense changes on protein structure and function output the following: SIFT: "Not Available"; PolyPhen-2: "Benign"; Align-GVGD: "Not Available". The glycine amino acid residue is found in multiple mammalian species, which suggests that this missense change does not adversely affect protein function. ClinVar contains an entry for this variant (Variation ID: 2049569). This variant has not been reported in the literature in individuals affected with WRN-related conditions. This variant is present in population databases (rs761259830, gnomAD 0.01%). This sequence change replaces aspartic acid, which is acidic and polar, with glycine, which is neutral and non-polar, at codon 511 of the WRN protein (p.Asp511Gly).